The following is an entry in ClinVar:

NM_170662.5(CBLB):c.1378A>G (p.Met460Val)

Genes: CBLB (Cbl proto-oncogene B; minus strand), LOC126806757 (P300/CBP strongly-dependent group 1 enhancer GRCh37_chr3:105438452-105439651; plus strand). Cytogenetic location: 3q13.11.
Variant type: single nucleotide variant.
Coding change: c.1378A>G on transcript NM_170662.5 (MANE Select); coding-DNA position 1378, A replaced by G.
Protein change: p.Met460Val; replaces methionine 460 with valine.
Molecular consequence: missense variant. On other transcripts: non-coding transcript variant (7).
Genome position (GRCh38, 1-based): chr3:105,720,076, T>C on the plus strand (A>G on the coding strand, the complement: CBLB is on the minus strand). VCF-style: chr3-105720076-T-C. GRCh37 (hg19) VCF-style: chr3-105438920-T-C.
Other names: NC_000003.11:g.105438920T>C; c.1462A>G, p.Met488Val (NM_001321786.1, NM_001321789.1); c.1378A>G, p.Met460Val (NM_001321788.2, NM_001321791.2, NM_001321793.2 and 4 more transcripts); c.1444A>G, p.Met482Val (NM_001321790.2); c.1231A>G, p.Met411Val (NM_001321796.2, NM_001321799.2); c.598A>G, p.Met200Val (NM_001321806.2, NM_001321807.2, NM_001321808.2 and 3 more transcripts); c.190A>G, p.Met64Val (NM_001321820.2); c.49A>G, p.Met17Val (NM_001321822.2); short protein forms M460V, M17V, M200V, M411V, M482V, M488V, M64V.
Identifiers: ClinVar variation 133817 (VCV000133817.2), dbSNP rs114461789, ClinGen allele CA157881.
Genomic context (GRCh38, chr3:105,720,076, plus strand): 5'-ACCTTAACTAAACCCATGTTTCTAGTTTTACCTTTCGGACGTTTGCCAACCGATTCATCA[T>C]CAAGGACTCCTCACGATCATCATCGTCGTCCAAGTCTAGCATCGGCATGCCAAAGGGGTC-3'
Protein context (NP_733762.2, residues 450-470): DDDDDREESL[Met460Val]MNRLANVRKC

ClinVar aggregate classification (germline): not provided (0 of 4 stars; one submission).

Allele frequency attached by ClinVar (database versions not stated): gnomAD exomes 0.00013 and 0.00037; ExAC 0.00049; gnomAD 0.00121 and 0.00128; ESP Exome Variant Server 0.00123; 1000 Genomes Project 30x 0.00156; TOPMed 0.00159; 1000 Genomes Project 0.00160.
gnomAD v4.1: 374 of 1,613,980 alleles (0.023%); highest among the groups gnomAD compares: African/African-American, 0.44%; 1 homozygote.

Submissions (2):

ITMI
No classification provided. Condition: AllHighlyPenetrant. Last evaluated: 2013-09-19. Review status: no classification provided. Collection method: reference population. Allele origin: germline.
Comment: Please see associated publication for description of ethnicities

Dr. Peter K. Rogan Lab, Western University
No classification provided (evidence only). Condition: Thyroid cancer, nonmedullary, 1. Review status: no classification provided. Collection method: in vitro. Allele origin: not applicable. Functional consequence: retained intron. Not counted in ClinVar's aggregate classification.

Literature cited by the submitters: PubMed 24728327 (cited by ITMI).